The following is an entry in ClinVar:

NM_020822.3(KCNT1):c.3383C>T (p.Ala1128Val)

Gene: KCNT1 (potassium sodium-activated channel subfamily T member 1; plus strand). Cytogenetic location: 9q34.3.
Variant type: single nucleotide variant.
Coding change: c.3383C>T on transcript NM_020822.3 (MANE Select); coding-DNA position 3383, C replaced by T.
Protein change: p.Ala1128Val; replaces alanine 1128 with valine.
Molecular consequence: missense variant.
Genome position (GRCh38, 1-based): chr9:135,786,402, C>T. VCF-style: chr9-135786402-C-T. GRCh37 (hg19) VCF-style: chr9-138678248-C-T.
Other names: c.3248C>T, p.Ala1083Val (NM_001272003.2); short protein forms A1128V, A1083V.
Identifiers: ClinVar variation 235417 (VCV000235417.90), dbSNP rs143704418, ClinGen allele CA5327798.

ClinVar aggregate classification (germline): Likely benign. Review status: criteria provided, multiple submitters, no conflicts (2 of 4 stars). 13 submissions from 12 submitters: Likely benign (9). 4 of the submissions do not count toward it. Last evaluated 2026-01-27.

Conditions:
Inborn genetic diseases. Identifiers: MedGen C0950123, MeSH D030342.
KCNT1-related disorder. Also called: KCNT1-related condition.
Autosomal dominant nocturnal frontal lobe epilepsy 5. Also called: Epilepsy, nocturnal frontal lobe, 5; CILIARY DYSKINESIA, PRIMARY, 28, WITHOUT SITUS INVERSUS; CILIARY DYSKINESIA, PRIMARY, 28, WITH SITUS INVERSUS; KCNT1-Related Epilepsy. Identifiers: Orphanet 98784, MedGen C3554306, MONDO:0014002, OMIM 615005.
Developmental and epileptic encephalopathy, 14 (DEE14). Also called: Early infantile epileptic encephalopathy 14. Identifiers: Orphanet 293181, MedGen C3554195, MONDO:0013989, OMIM 614959.

Allele frequency attached by ClinVar (database versions not stated): 1000 Genomes Project 0.00060; 1000 Genomes Project 30x 0.00094; gnomAD exomes 0.00123 and 0.00264; ExAC 0.00162; TOPMed 0.00167; gnomAD 0.00168 and 0.00182; ESP Exome Variant Server 0.00219.
gnomAD v4.1: 3,948 of 1,574,056 alleles (0.25%); highest among the groups gnomAD compares: Non-Finnish European, 0.32%; 15 homozygotes.

Submissions (13):

Labcorp Genetics (formerly Invitae), Labcorp
Classification: Likely benign for Autosomal dominant nocturnal frontal lobe epilepsy 5; Developmental and epileptic encephalopathy, 14. Last evaluated: 2026-01-27. Review status: criteria provided, single submitter. Criteria: Invitae Variant Classification Sherloc (09022015). Collection method: clinical testing. Allele origin: germline.

CeGaT Center for Human Genetics Tuebingen
Classification: Likely benign. Last evaluated: 2025-12-01. Review status: criteria provided, single submitter. Criteria: CeGaT Center For Human Genetics Tuebingen Variant Classification Criteria Version 2. Collection method: clinical testing. Allele origin: germline. Affected: yes. Observed: 12 variant alleles.
Comment: KCNT1: BP4, BS2

Blueprint Genetics
Classification: Likely benign. Last evaluated: 2024-11-08. Review status: criteria provided, single submitter. Criteria: ACMG Guidelines, 2015. Collection method: clinical testing. Allele origin: germline.

Genome-Nilou Lab
Classification: Likely benign for Developmental and epileptic encephalopathy, 14. Last evaluated: 2022-03-15. Review status: criteria provided, single submitter. Criteria: ACMG Guidelines, 2015. Collection method: clinical testing. Allele origin: germline. Affected: no.

Genome-Nilou Lab
Classification: Likely benign for Autosomal dominant nocturnal frontal lobe epilepsy 5. Last evaluated: 2022-03-15. Review status: criteria provided, single submitter. Criteria: ACMG Guidelines, 2015. Collection method: clinical testing. Allele origin: germline. Affected: no.

GeneDx
Classification: Likely benign. Last evaluated: 2021-02-24. Review status: criteria provided, single submitter. Criteria: GeneDx Variant Classification Process June 2021. Collection method: clinical testing. Allele origin: germline. Affected: yes.

Ambry Genetics
Classification: Likely benign for Inborn genetic diseases. Last evaluated: 2018-05-14. Review status: criteria provided, single submitter. Criteria: Ambry Variant Classification Scheme 2023. Collection method: clinical testing. Allele origin: germline.

Center for Pediatric Genomic Medicine, Children's Mercy Hospital and Clinics
Classification: Likely benign. Last evaluated: 2016-04-19. Review status: criteria provided, single submitter. Criteria: ACMG Guidelines, 2015. Collection method: clinical testing. Allele origin: germline.
ClinVar note: Converted during submission from Likely Benign to Likely benign.

Breakthrough Genomics
Classification: Likely benign. Review status: criteria provided, single submitter. Criteria: ACMG Guidelines, 2015. Collection method: not provided. Allele origin: germline. Inheritance: Autosomal dominant inheritance. Affected: yes.

PreventionGenetics, part of Exact Sciences
Classification: Benign for KCNT1-related condition. Last evaluated: 2023-04-12. Review status: no assertion criteria provided. Collection method: clinical testing. Allele origin: germline. Not counted in ClinVar's aggregate classification.
Comment: This variant is classified as benign based on ACMG/AMP sequence variant interpretation guidelines (Richards et al. 2015 PMID: 25741868, with internal and published modifications).

Clinical Genetics DNA and cytogenetics Diagnostics Lab, Erasmus MC, Erasmus Medical Center
Classification: Likely benign. Review status: no assertion criteria provided. Collection method: clinical testing. Allele origin: germline. Affected: yes. Study: VKGL Data-share Consensus. Not counted in ClinVar's aggregate classification.

Diagnostic Laboratory, Department of Genetics, University Medical Center Groningen
Classification: Likely benign. Review status: no assertion criteria provided. Collection method: clinical testing. Allele origin: germline. Affected: yes. Study: VKGL Data-share Consensus. Not counted in ClinVar's aggregate classification.

Genome Diagnostics Laboratory, University Medical Center Utrecht
Classification: Likely benign. Review status: no assertion criteria provided. Collection method: clinical testing. Allele origin: germline. Affected: yes. Study: VKGL Data-share Consensus. Not counted in ClinVar's aggregate classification.